The following is an entry in ClinVar:

ClinVar aggregate classification (germline): Uncertain significance. Review status: criteria provided, multiple submitters, no conflicts (2 of 4 stars). 2 submissions from 2 submitters: Uncertain significance (2). Last evaluated 2026-03-19.

Conditions:
Familial thoracic aortic aneurysm and aortic dissection (TAAD). Also called: Thoracic aortic aneurysms and dissections. Identifiers: Orphanet 91387, MedGen C4707243, MONDO:0019625.

Submissions (2):

Ambry Genetics
Classification: Uncertain significance for Familial thoracic aortic aneurysm and aortic dissection. Last evaluated: 2026-03-19. Review status: criteria provided, single submitter. Criteria: Ambry Variant Classification Scheme 2023. Collection method: clinical testing. Allele origin: germline.
Comment: The p.T232I variant (also known as c.695C>T), located in coding exon 4 of the NOTCH1 gene, results from a C to T substitution at nucleotide position 695. The threonine at codon 232 is replaced by isoleucine, an amino acid with similar properties. This amino acid position is conserved. In addition, this alteration is predicted to be deleterious by in silico analysis. Based on the available evidence, the clinical significance of this variant remains unclear.

GeneDx
Classification: Uncertain significance. Last evaluated: 2024-08-29. Review status: criteria provided, single submitter. Criteria: GeneDx Variant Classification Process June 2021. Collection method: clinical testing. Allele origin: germline. Affected: yes.
Comment: Not observed at significant frequency in large population cohorts (gnomAD); In silico analysis supports that this missense variant has a deleterious effect on protein structure/function; Has not been previously reported as a pathogenic or benign germline variant to our knowledge; This variant is associated with the following publications: (PMID: 24277457)

NM_017617.5(NOTCH1):c.695C>T (p.Thr232Ile)

Gene: NOTCH1 (notch receptor 1; minus strand). Cytogenetic location: 9q34.3.
Variant type: single nucleotide variant.
Coding change: c.695C>T on transcript NM_017617.5 (MANE Select); coding-DNA position 695, C replaced by T.
Protein change: p.Thr232Ile; replaces threonine 232 with isoleucine.
Molecular consequence: missense variant.
Genome position (GRCh38, 1-based): chr9:136,522,897, G>A on the plus strand (C>T on the coding strand, the complement: NOTCH1 is on the minus strand). VCF-style: chr9-136522897-G-A. GRCh37 (hg19) VCF-style: chr9-139417349-G-A.
Other names: short protein forms T232I.
Identifiers: ClinVar variation 3765982 (VCV003765982.2).
Genomic context (GRCh38, chr9:136,522,897, plus strand): 5'-CGGGCAGCACTACCTGGCAGGCAGGCACACTCGTGGGTGACGTCGCCCGTGGGGCGGCAG[G>A]TGCCCCCGTTCTGGCAGGGCGAGGGGCTGCAGGGCACGTAGGGCCGCTCGCAGTTGGGGC-3'
Protein context (NP_060087.3, residues 222-242): CSPSPCQNGG[Thr232Ile]CRPTGDVTHE